The following is an entry in ClinVar:

ClinVar aggregate classification (germline): Pathogenic (1 of 4 stars; one submission).

Conditions:
Ataxia - intellectual disability - oculomotor apraxia - cerebellar cysts syndrome. Also called: Poretti-Boltshauser syndrome. Identifiers: Orphanet 370022, MedGen C4014821, MONDO:0014419, OMIM 615960.

Submission:

Women's Health and Genetics/Laboratory Corporation of America, LabCorp
Classification: Pathogenic for Ataxia - intellectual disability - oculomotor apraxia - cerebellar cysts syndrome. Last evaluated: 2023-05-05. Review status: criteria provided, single submitter. Criteria: LabCorp Variant Classification Summary - May 2015. Collection method: clinical testing. Allele origin: germline.
Comment: Variant summary: LAMA1 c.1078delG (p.Val360PhefsX3) results in a premature termination codon, predicted to cause a truncation of the encoded protein or absence of the protein due to nonsense mediated decay, which are commonly known mechanisms for disease. The variant was absent in 251414 control chromosomes (gnomAD). To our knowledge, no occurrence of c.1078delG in individuals affected with Ataxia-Intellectual Disability-Oculomotor Apraxia-Cerebellar Cysts Syndrome and no experimental evidence demonstrating its impact on protein function have been reported. No clinical diagnostic laboratories have submitted clinical-significance assessments for this variant to ClinVar after 2014. Based on the evidence outlined above, the variant was classified as pathogenic.

NM_005559.4(LAMA1):c.1078del (p.Val360fs)

Gene: LAMA1 (laminin subunit alpha 1; minus strand). Cytogenetic location: 18p11.31.
Variant type: Deletion.
Coding change: c.1078del on transcript NM_005559.4 (MANE Select); coding-DNA position 1078, one base deleted (G; older notation c.1078delG).
Protein change: p.Val360fs; shifts the reading frame from valine 360.
Molecular consequence: frameshift variant.
Genome position (GRCh38, 1-based): chr18:7,043,304, C deleted on the plus strand (G on the coding strand, the reverse complement: LAMA1 is on the minus strand); the first of 4 consecutive C bases (chr18:7,043,304-7,043,307); deleting any one gives the same sequence. VCF-style (leftmost placement, unchanged base first): chr18-7043303-AC-A. GRCh37 (hg19) VCF-style: chr18-7043302-AC-A.
Other names: short protein forms V360fs.
Identifiers: ClinVar variation 2506318 (VCV002506318.1), dbSNP rs2510091792, ClinGen allele CA2580613269.